The following is an entry in ClinVar:

ClinVar aggregate classification (germline): Pathogenic (1 of 4 stars; one submission).

Submission:

Labcorp Genetics (formerly Invitae), Labcorp
Classification: Pathogenic. Last evaluated: 2022-02-03. Review status: criteria provided, single submitter. Criteria: Invitae Variant Classification Sherloc (09022015). Collection method: clinical testing. Allele origin: germline.
Comment: For these reasons, this variant has been classified as Pathogenic. This variant has not been reported in the literature in individuals affected with VPS13A-related conditions. This variant is not present in population databases (gnomAD no frequency). This sequence change creates a premature translational stop signal (p.Glu2054*) in the VPS13A gene. It is expected to result in an absent or disrupted protein product. Loss-of-function variants in VPS13A are known to be pathogenic (PMID: 12404112, 21598378).

Literature cited by the submitters: PubMed 12404112; PubMed 21598378.

NM_033305.3(VPS13A):c.6160G>T (p.Glu2054Ter)

Gene: VPS13A (vacuolar protein sorting 13 homolog A; plus strand). Cytogenetic location: 9q21.2.
Variant type: single nucleotide variant.
Coding change: c.6160G>T on transcript NM_033305.3 (MANE Select); coding-DNA position 6160, G replaced by T.
Protein change: p.Glu2054Ter; replaces glutamic acid 2054 with a stop codon.
Molecular consequence: nonsense.
Genome position (GRCh38, 1-based): chr9:77,337,319, G>T. VCF-style: chr9-77337319-G-T. GRCh37 (hg19) VCF-style: chr9-79952235-G-T.
Other names: c.6043G>T, p.Glu2015Ter (NM_001018037.2); c.6160G>T, p.Glu2054Ter (NM_001018038.3, NM_015186.4); short protein forms E2015*, E2054*.
Identifiers: ClinVar variation 2092461 (VCV002092461.4), dbSNP rs2538065073, ClinGen allele CA373848232.